The following is an entry in ClinVar:

ClinVar aggregate classification (germline): Conflicting classifications of pathogenicity. Review status: criteria provided, conflicting classifications (1 of 4 stars). 2 submissions from 2 submitters: Likely pathogenic (1); Uncertain significance (1). Last evaluated 2023-07-11.

Conditions:
Pheochromocytoma. Also called: MAX-Related Hereditary Paraganglioma-Pheochromocytoma Syndrome. Identifiers: Orphanet 29072, MedGen C0031511, MONDO:0008233, OMIM 171300, HP:0002666.
Carney-Stratakis syndrome. Also called: PARAGANGLIOMA AND GASTROINTESTINAL STROMAL TUMOR. Identifiers: Orphanet 97286, MedGen C1847319, MONDO:0011740, OMIM 606864.
Cowden syndrome 3 (CWS3). Identifiers: Orphanet 201, MedGen CN166604, MONDO:0014045.
Paragangliomas with sensorineural hearing loss. Identifiers: MedGen C1868633.
Hereditary cancer-predisposing syndrome. Also called: Hereditary Cancer Syndrome; Hereditary neoplastic syndrome; Neoplastic Syndromes, Hereditary; Tumor predisposition. Identifiers: Orphanet 140162, MedGen C0027672, MeSH D009386, MONDO:0015356.

Submissions (2):

Ambry Genetics
Classification: Likely pathogenic for Hereditary cancer-predisposing syndrome. Last evaluated: 2023-07-11. Review status: criteria provided, single submitter. Criteria: Ambry Variant Classification Scheme 2023. Collection method: clinical testing. Allele origin: germline.
Comment: The c.430_435delTATCAC variant (also known as p.Y144_H145del) is located in coding exon 4 of the SDHD gene. This variant results from an in-frame TATCAC deletion at nucleotide positions 430 to 435. This results in the in-frame deletion of tyrosine and histidine residues at codons 144 and 145. This variant has been detected in individuals with pheochromocytomas and/or paragangliomas diagnosed under age 50 (Petenuci J et al. Clin Endocrinol (Oxf), 2021 07;95:117-124; Ambry internal data). This variant is considered to be rare based on population cohorts in the Genome Aggregation Database (gnomAD). These amino acid positions are well conserved in available vertebrate species. In addition, this alteration is predicted to be deleterious by in silico analysis (Choi Y et al. PLoS ONE. 2012; 7(10):e46688). Based on the majority of available evidence to date, this variant is likely to be pathogenic.

Labcorp Genetics (formerly Invitae), Labcorp
Classification: Uncertain significance for Carney-Stratakis syndrome; Paragangliomas with sensorineural hearing loss; Pheochromocytoma; Cowden syndrome 3. Last evaluated: 2022-06-15. Review status: criteria provided, single submitter. Criteria: Invitae Variant Classification Sherloc (09022015). Collection method: clinical testing. Allele origin: germline.
Comment: In summary, the available evidence is currently insufficient to determine the role of this variant in disease. Therefore, it has been classified as a Variant of Uncertain Significance. Experimental studies and prediction algorithms are not available or were not evaluated, and the functional significance of this variant is currently unknown. This variant has been observed in individual(s) with paraganglioma-pheochromocytoma syndromes (PMID: 33745191). This variant is not present in population databases (gnomAD no frequency). This variant, c.430_435del, results in the deletion of 2 amino acid(s) of the SDHD protein (p.Tyr144_His145del), but otherwise preserves the integrity of the reading frame.

Literature cited by the submitters: PubMed 33745191 (cited by Ambry Genetics and Labcorp Genetics (formerly Invitae), Labcorp).

NM_003002.4(SDHD):c.430_435del (p.Tyr144_His145del)

Gene: SDHD (succinate dehydrogenase complex subunit D; plus strand). Cytogenetic location: 11q23.1.
Variant type: Deletion.
Coding change: c.430_435del on transcript NM_003002.4 (MANE Select); coding-DNA positions 430 to 435, 6 bases deleted (TATCAC; older notation c.430_435delTATCAC).
Protein change: p.Tyr144_His145del.
Molecular consequence: inframe deletion. On other transcripts: 3 prime UTR variant (2), non-coding transcript variant (1).
Genome position (GRCh38, 1-based): chr11:112,094,920-112,094,925, TATCAC deleted; deleting any 6 consecutive bases within chr11:112,094,918-112,094,925 gives the same sequence; the c. name uses the placement nearest the transcript's 3' end. VCF-style (leftmost placement, unchanged base first): chr11-112094917-AACTATC-A. GRCh37 (hg19) VCF-style: chr11-111965641-AACTATC-A.
Other names: c.*27_*32del (NM_001276503.2); c.313_318del, p.Tyr105_His106del (NM_001276504.2); c.*128_*133del (NM_001276506.2).
Identifiers: ClinVar variation 1739553 (VCV001739553.8), dbSNP rs2498917639, ClinGen allele CA2580083536.